The following is an entry in ClinVar:

ClinVar aggregate classification (germline): Likely pathogenic (1 of 4 stars; one submission).

Submission:

GeneDx
Classification: Likely pathogenic. Last evaluated: 2024-04-09. Review status: criteria provided, single submitter. Criteria: GeneDx Variant Classification Process June 2021. Collection method: clinical testing. Allele origin: germline. Affected: yes.
Comment: Not observed at significant frequency in large population cohorts (gnomAD); In silico analysis is inconclusive as to whether the variant alters gene splicing. In the absence of RNA/functional studies, the actual effect of this sequence change is unknown.; In silico analysis indicates that this missense variant does not alter protein structure/function; Has not been previously published as pathogenic or benign to our knowledge

NM_001127392.3(MYRF):c.2246A>G (p.Lys749Arg)

Gene: MYRF (myelin regulatory factor; plus strand). Cytogenetic location: 11q12.2.
Variant type: single nucleotide variant.
Coding change: c.2246A>G on transcript NM_001127392.3 (MANE Select); coding-DNA position 2246, A replaced by G.
Protein change: p.Lys749Arg; replaces lysine 749 with arginine.
Molecular consequence: missense variant.
Genome position (GRCh38, 1-based): chr11:61,779,569, A>G. VCF-style: chr11-61779569-A-G. GRCh37 (hg19) VCF-style: chr11-61547041-A-G.
Other names: c.2219A>G, p.Lys740Arg (NM_013279.4); short protein forms K740R, K749R.
Identifiers: ClinVar variation 3906181 (VCV003906181.1).
Genomic context (GRCh38, chr11:61,779,569, plus strand): 5'-GCCAGTTCAGTCGGGCGGGCAGCGTCCCCCACAAGAAGAGGCCCCCCAAGGTGGCCAGCA[A>G]GGTAGGGGTGAGCAGGGATGGCAGGCGGGTTGGAAAGGGGGCCTCCCTTGTGGCCTCCCT-3'
Protein context (NP_001120864.1, residues 739-759): HKKRPPKVAS[Lys749Arg]SSSVVPDQAC